The following is an entry in ClinVar:

ClinVar aggregate classification (germline): Uncertain significance. Review status: criteria provided, multiple submitters, no conflicts (2 of 4 stars). 2 submissions from 2 submitters: Uncertain significance (2). Last evaluated 2026-06-03.

Conditions:
SMCHD1-related disorder. Also called: SMCHD1-related condition.
Facioscapulohumeral muscular dystrophy 2 (FSHD2). Also called: MUSCULAR DYSTROPHY, FACIOSCAPULOHUMERAL, TYPE 1B; FACIOSCAPULOHUMERAL MUSCULAR DYSTROPHY 2, DIGENIC; FSHD2, DIGENIC. Identifiers: Orphanet 269, MedGen C1834671, MONDO:0008031, OMIM 158901.

Allele frequency attached by ClinVar (database versions not stated): TOPMed below 0.00001; gnomAD 0.00001.
gnomAD v4.1: 7 of 1,597,080 alleles (0.00044%); highest among the groups gnomAD compares: Non-Finnish European, 0.00043%; no homozygotes.

Submissions (2):

PreventionGenetics, part of Exact Sciences
Classification: Uncertain significance for SMCHD1-related condition. Last evaluated: 2026-06-03. Review status: criteria provided, single submitter. Criteria: ACMG Guidelines, 2015. Collection method: clinical testing. Allele origin: germline.
Comment: The SMCHD1 c.2241G>T variant is predicted to result in the amino acid substitution p.Glu747Asp. This variant has been reported in an individual with limb-girdle muscular dystrophy; however, it is not clear if this patient was tested for the 4qA permissive allele (Marchant et al. 2024. PubMed ID: 38544359). This variant has not been reported in a large population database (gnomAD), indicating this variant is rare. At this time, the clinical significance of this variant is uncertain due to the absence of conclusive functional and genetic evidence.

Labcorp Genetics (formerly Invitae), Labcorp
Classification: Uncertain significance for Facioscapulohumeral muscular dystrophy 2. Last evaluated: 2026-01-25. Review status: criteria provided, single submitter. Criteria: Invitae Variant Classification Sherloc (09022015). Collection method: clinical testing. Allele origin: germline.
Comment: This sequence change replaces glutamic acid, which is acidic and polar, with aspartic acid, which is acidic and polar, at codon 747 of the SMCHD1 protein (p.Glu747Asp). This variant is not present in population databases (gnomAD no frequency). This missense change has been observed in individual(s) with SMCHD1-related conditions (PMID: 38544359). ClinVar contains an entry for this variant (Variation ID: 2199494). Invitae Evidence Modeling of protein sequence and biophysical properties (such as structural, functional, and spatial information, amino acid conservation, physicochemical variation, residue mobility, and thermodynamic stability) has been performed for this missense variant. However, the output from this modeling did not meet the statistical confidence thresholds required to predict the impact of this variant on SMCHD1 protein function. In summary, the available evidence is currently insufficient to determine the role of this variant in disease. Therefore, it has been classified as a Variant of Uncertain Significance.

Literature cited by the submitters: PubMed 38544359 (cited by Labcorp Genetics (formerly Invitae), Labcorp).

NM_015295.3(SMCHD1):c.2241G>T (p.Glu747Asp)

Gene: SMCHD1 (structural maintenance of chromosomes flexible hinge domain containing 1; plus strand). Cytogenetic location: 18p11.32.
Variant type: single nucleotide variant.
Coding change: c.2241G>T on transcript NM_015295.3 (MANE Select); coding-DNA position 2241, G replaced by T.
Protein change: p.Glu747Asp; replaces glutamic acid 747 with aspartic acid.
Molecular consequence: missense variant.
Genome position (GRCh38, 1-based): chr18:2,707,901, G>T. VCF-style: chr18-2707901-G-T. GRCh37 (hg19) VCF-style: chr18-2707899-G-T.
Other names: c.2241G>T (NM_015295.2); short protein forms E747D.
Identifiers: ClinVar variation 2199494 (VCV002199494.5), dbSNP rs1208832768, ClinGen allele CA401680459.
Genomic context (GRCh38, chr18:2,707,901, plus strand): 5'-GGAAGCAATGCAAAAGCTTCCAGGAACAAGCCATGGAGGGTCAAAGAAACTCCTGGTTGA[G>T]CTCAAAGTTATTTTACATTGTAAGTATACAAACTAATTTAGATCTTTAATATTGTTTTTA-3'
Protein context (NP_056110.2, residues 737-757): SHGGSKKLLV[Glu747Asp]LKVILHSSSG